The following is an entry in ClinVar:

ClinVar aggregate classification (germline): Likely benign (0 of 4 stars; one submission).

Conditions:
KALRN-related disorder. Also called: KALRN-related condition.

Allele frequency attached by ClinVar (database versions not stated): ExAC 0.00002; TOPMed 0.00002; gnomAD 0.00004.
gnomAD v4.1: 28 of 1,603,316 alleles (0.0017%); highest among the groups gnomAD compares: African/African-American, 0.0067%; no homozygotes.

Submission:

PreventionGenetics, part of Exact Sciences
Classification: Likely benign for KALRN-related condition. Last evaluated: 2019-06-07. Review status: no assertion criteria provided. Collection method: clinical testing. Allele origin: germline.
Comment: This variant is classified as likely benign based on ACMG/AMP sequence variant interpretation guidelines (Richards et al. 2015 PMID: 25741868, with internal and published modifications).

NM_001388419.1(KALRN):c.2343C>T (p.Ile781=)

Gene: KALRN (kalirin RhoGEF kinase; plus strand). Cytogenetic location: 3q21.2.
Variant type: single nucleotide variant.
Coding change: c.2343C>T on transcript NM_001388419.1 (MANE Select); coding-DNA position 2343, C replaced by T.
Protein change: p.Ile781=; no amino-acid change (isoleucine 781 retained).
Molecular consequence: synonymous variant. On other transcripts: non-coding transcript variant (2).
Genome position (GRCh38, 1-based): chr3:124,398,868, C>T. VCF-style: chr3-124398868-C-T. GRCh37 (hg19) VCF-style: chr3-124117715-C-T.
Other names: c.2337C>T, p.Ile779= (NM_001024660.5, NM_001322988.2, NM_001322989.2 and 2 more transcripts); c.2298C>T, p.Ile766= (NM_001322990.2, NM_001322991.2); c.414C>T, p.Ile138= (NM_001388412.1, NM_001388413.1, NM_001388414.1); c.375C>T, p.Ile125= (NM_001388415.1, NM_001388416.1); c.2343C>T, p.Ile781= (NM_001388417.1, NM_001388418.1).
Identifiers: ClinVar variation 3043751 (VCV003043751.2), dbSNP rs759820743, ClinGen allele CA2579428.